The following is an entry in ClinVar:

ClinVar aggregate classification (germline): Uncertain significance (1 of 4 stars; one submission).

gnomAD v4.1: 3 of 1,613,814 alleles (0.00019%); highest among the groups gnomAD compares: Non-Finnish European, 0.00025%; no homozygotes.

Submission:

GeneDx
Classification: Uncertain significance. Last evaluated: 2025-03-05. Review status: criteria provided, single submitter. Criteria: GeneDx Variant Classification Process June 2021. Collection method: clinical testing. Allele origin: germline. Affected: yes.
Comment: Observed with a second ITGB4 variant in a deceased infant with epidermolysis bullosa and pyloric atresia reported in the published literature, but it is not known if the variants were present on the same allele (in cis) or opposite alleles (in trans) (PMID: 11328943); In silico analysis supports that this missense variant has a deleterious effect on protein structure/function; This variant is associated with the following publications: (PMID: 16473856, 15009117, 11251584, 18779879, 11328943)

NM_000213.5(ITGB4):c.974T>A (p.Val325Asp)

Gene: ITGB4 (integrin subunit beta 4; plus strand). Cytogenetic location: 17q25.1.
Variant type: single nucleotide variant.
Coding change: c.974T>A on transcript NM_000213.5 (MANE Select); coding-DNA position 974, T replaced by A.
Protein change: p.Val325Asp; replaces valine 325 with aspartic acid.
Molecular consequence: missense variant.
Genome position (GRCh38, 1-based): chr17:75,730,476, T>A. VCF-style: chr17-75730476-T-A. GRCh37 (hg19) VCF-style: chr17-73726557-T-A.
Other names: c.974T>A, p.Val325Asp (NM_001005619.2, NM_001005731.3, NM_001321123.2 and 1 more transcripts); short protein forms V325D.
Identifiers: ClinVar variation 4083367 (VCV004083367.1).
Genomic context (GRCh38, chr17:75,730,476, plus strand): 5'-CGTCGGTGCCCACCCTGGTGCGCCTGCTCGCCAAGCACAACATCATCCCCATCTTTGCTG[T>A]CACCAACTACTCCTATAGCTACTACGAGGTGCGGGGCCCAGGTCCCACGGGTGGGAGGTG-3'
Protein context (NP_000204.3, residues 315-335): AKHNIIPIFA[Val325Asp]TNYSYSYYEK